The following is an entry in ClinVar:

NM_000321.3(RB1):c.-107T>A

Gene: RB1 (RB transcriptional corepressor 1; plus strand). Cytogenetic location: 13q14.2.
Variant type: single nucleotide variant.
Coding change: c.-107T>A on transcript NM_000321.3 (MANE Select); 107 bases upstream of the start codon, T replaced by A.
Molecular consequence: 5 prime UTR variant.
Genome position (GRCh38, 1-based): chr13:48,303,806, T>A. VCF-style: chr13-48303806-T-A. GRCh37 (hg19) VCF-style: chr13-48877942-T-A.
Other names: c.-107T>A (NM_001407165.1, NM_001407166.1, NM_001407167.1).
Identifiers: ClinVar variation 4797718 (VCV004797718.1).

ClinVar aggregate classification (germline): Uncertain significance (1 of 4 stars; one submission).

Conditions:
Retinoblastoma (RB1). Also called: RETINOBLASTOMA, SOMATIC. Identifiers: Orphanet 790, MedGen C0035335, MeSH D012175, MONDO:0008380, OMIM 180200, HP:0009919. Disease mechanism: loss of function. Inheritance: Both sporadic and heritable forms are tested..

Submission:

Labcorp Genetics (formerly Invitae), Labcorp
Classification: Uncertain significance for Retinoblastoma. Last evaluated: 2025-05-18. Review status: criteria provided, single submitter. Criteria: Invitae Variant Classification Sherloc (09022015). Collection method: clinical testing. Allele origin: germline.
Comment: This variant occurs in a non-coding region of the RB1 gene. It does not change the encoded amino acid sequence of the RB1 protein. This variant is not present in population databases (gnomAD no frequency). This variant has not been reported in the literature in individuals affected with RB1-related conditions. In summary, the available evidence is currently insufficient to determine the role of this variant in disease. Therefore, it has been classified as a Variant of Uncertain Significance.